The following is an entry in ClinVar:

NM_000264.5(PTCH1):c.3161G>A (p.Gly1054Glu)

Gene: PTCH1 (patched 1; minus strand). Cytogenetic location: 9q22.32.
Variant type: single nucleotide variant.
Coding change: c.3161G>A on transcript NM_000264.5 (MANE Select); coding-DNA position 3161, G replaced by A.
Protein change: p.Gly1054Glu; replaces glycine 1054 with glutamic acid.
Molecular consequence: missense variant. On other transcripts: non-coding transcript variant (1).
Genome position (GRCh38, 1-based): chr9:95,458,020, C>T on the plus strand (G>A on the coding strand, the complement: PTCH1 is on the minus strand). VCF-style: chr9-95458020-C-T. GRCh37 (hg19) VCF-style: chr9-98220302-C-T.
Other names: c.2963G>A, p.Gly988Glu (NM_001083602.3); c.3158G>A, p.Gly1053Glu (NM_001083603.3); c.2708G>A, p.Gly903Glu (NM_001083604.3, NM_001083605.3, NM_001083606.3 and 1 more transcripts); c.3005G>A, p.Gly1002Glu (NM_001354918.2); short protein forms G1053E, G1054E, G988E, G1002E, G903E.
Identifiers: ClinVar variation 1728316 (VCV001728316.5), dbSNP rs2538066681, ClinGen allele CA374112261.

ClinVar aggregate classification (germline): Uncertain significance. Review status: criteria provided, multiple submitters, no conflicts (2 of 4 stars). 2 submissions from 2 submitters: Uncertain significance (2). Last evaluated 2023-09-06.

Conditions:
Gorlin syndrome. Also called: Nevoid Basal Cell Carcinoma Syndrome; Basal cell nevus syndrome. Identifiers: Orphanet 377, MedGen C0004779, MONDO:0007187.
Hereditary cancer-predisposing syndrome. Also called: Neoplastic Syndromes, Hereditary; Tumor predisposition; Hereditary Cancer Syndrome; Hereditary neoplastic syndrome. Identifiers: Orphanet 140162, MedGen C0027672, MeSH D009386, MONDO:0015356.

Submissions (2):

Labcorp Genetics (formerly Invitae), Labcorp
Classification: Uncertain significance for Gorlin syndrome. Last evaluated: 2023-09-06. Review status: criteria provided, single submitter. Criteria: Invitae Variant Classification Sherloc (09022015). Collection method: clinical testing. Allele origin: germline.
Comment: In summary, the available evidence is currently insufficient to determine the role of this variant in disease. Therefore, it has been classified as a Variant of Uncertain Significance. Advanced modeling of protein sequence and biophysical properties (such as structural, functional, and spatial information, amino acid conservation, physicochemical variation, residue mobility, and thermodynamic stability) performed at Invitae indicates that this missense variant is not expected to disrupt PTCH1 protein function. ClinVar contains an entry for this variant (Variation ID: 1728316). This variant has not been reported in the literature in individuals affected with PTCH1-related conditions. This variant is not present in population databases (gnomAD no frequency). This sequence change replaces glycine, which is neutral and non-polar, with glutamic acid, which is acidic and polar, at codon 1054 of the PTCH1 protein (p.Gly1054Glu).

Ambry Genetics
Classification: Uncertain significance for Hereditary cancer-predisposing syndrome. Last evaluated: 2022-07-10. Review status: criteria provided, single submitter. Criteria: Ambry Variant Classification Scheme 2023. Collection method: clinical testing. Allele origin: germline.
Comment: The p.G1054E variant (also known as c.3161G>A), located in coding exon 18 of the PTCH1 gene, results from a G to A substitution at nucleotide position 3161. The glycine at codon 1054 is replaced by glutamic acid, an amino acid with similar properties. This amino acid position is conserved. In addition, this alteration is predicted to be deleterious by in silico analysis. Since supporting evidence is limited at this time, the clinical significance of this alteration remains unclear.